The following is an entry in ClinVar:

NM_182895.5(SCARF2):c.1423C>T (p.Arg475Trp)

Gene: SCARF2 (scavenger receptor class F member 2; minus strand). Cytogenetic location: 22q11.21.
Variant type: single nucleotide variant.
Coding change: c.1423C>T on transcript NM_182895.5 (MANE Select); coding-DNA position 1423, C replaced by T.
Protein change: p.Arg475Trp; replaces arginine 475 with tryptophan.
Molecular consequence: missense variant. On other transcripts: nonsense (1).
Genome position (GRCh38, 1-based): chr22:20,429,537, G>A on the plus strand (C>T on the coding strand, the complement: SCARF2 is on the minus strand). VCF-style: chr22-20429537-G-A. GRCh37 (hg19) VCF-style: chr22-20783824-G-A.
Other names: c.1423C>T, p.Arg475Ter (NM_153334.7); short protein forms R475*, R475W.
Identifiers: ClinVar variation 4887977 (VCV004887977.1).
Genomic context (GRCh38, chr22:20,429,537, plus strand): 5'-GTGGCACCCAGAGGGTGCGGCCTGAACCCAGGCGAAAGCGGGGCAGTATCTGGGCTCACC[G>A]GCGCGTAGGGTCCTTGCCGCGGCAAGCGCAGCAGCAGCCGAGCAGCGAGAGCAGCAGGCA-3'
Protein context (NP_878315.2, residues 465-485): CACRGKDPTR[Arg475Trp]ELSLGRKKAP

ClinVar aggregate classification (germline): Pathogenic (1 of 4 stars; one submission).

Conditions:
Fetal anomalies with a likely genetic cause.

gnomAD v4.1: 25 of 1,612,510 alleles (0.0016%); highest among the groups gnomAD compares: Non-Finnish European, 0.002%; no homozygotes.

Submission:

Genetics Laboratory, Great Ormond Street Hospital NHS Foundation Trust, North Thames Genomic Laboratory Hub
Classification: Pathogenic for Fetal anomalies with a likely genetic cause. Last evaluated: 2026-07-06. Review status: criteria provided, single submitter. Criteria: ACGS Best Practice Guidelines for Variant Classification in Rare Disease 2024 v1.2. Collection method: clinical testing. Allele origin: germline. Affected: yes.
Comment: PM2_moderate, PVS1_very-strong